The following is an entry in ClinVar:

ClinVar aggregate classification (germline): Uncertain significance (1 of 4 stars; one submission).

Submission:

CeGaT Center for Human Genetics Tuebingen
Classification: Uncertain significance. Last evaluated: 2026-02-01. Review status: criteria provided, single submitter. Criteria: CeGaT Center For Human Genetics Tuebingen Variant Classification Criteria Version 2. Collection method: clinical testing. Allele origin: germline. Affected: yes. Observed: 1 variant allele.
Comment: DLG4: PM2, PP2

NM_001321075.3(DLG4):c.1162A>G (p.Ile388Val)

Genes: DLG4 (discs large MAGUK scaffold protein 4; minus strand), LOC126862479 (MED14-independent group 3 enhancer GRCh37_chr17:7099412-7100611; plus strand). Cytogenetic location: 17p13.1.
Variant type: single nucleotide variant.
Coding change: c.1162A>G on transcript NM_001321075.3 (MANE Select); coding-DNA position 1162, A replaced by G.
Protein change: p.Ile388Val; replaces isoleucine 388 with valine.
Molecular consequence: missense variant. On other transcripts: non-coding transcript variant (1).
Genome position (GRCh38, 1-based): chr17:7,196,497, T>C on the plus strand (A>G on the coding strand, the complement: DLG4 is on the minus strand). VCF-style: chr17-7196497-T-C. GRCh37 (hg19) VCF-style: chr17-7099816-T-C.
Other names: c.1153A>G, p.Ile385Val (NM_001128827.4); c.1282A>G, p.Ile428Val (NM_001321074.1); c.982A>G, p.Ile328Val (NM_001321076.3, NM_001321077.3); c.1291A>G, p.Ile431Val (NM_001365.5); c.1081A>G, p.Ile361Val (NM_001369566.3); short protein forms I328V, I361V, I385V, I388V, I428V, I431V.
Identifiers: ClinVar variation 4822739 (VCV004822739.4).